The following is an entry in ClinVar:

ClinVar aggregate classification (germline): Uncertain significance (1 of 4 stars; one submission).

Submission:

Labcorp Genetics (formerly Invitae), Labcorp
Classification: Uncertain significance. Last evaluated: 2021-08-14. Review status: criteria provided, single submitter. Criteria: Invitae Variant Classification Sherloc (09022015). Collection method: clinical testing. Allele origin: germline.
Comment: This variant is a gross deletion of the genomic region encompassing exon(s) 2-3 of the SLC25A21 gene. This deletion is out-of-frame, and is expected to create a premature translational stop signal and result in an absent or disrupted protein product. However, the current clinical and genetic evidence is not sufficient to establish whether loss-of-function variants in SLC25A21 cause disease. This variant has not been reported in the literature in individuals affected with SLC25A21-related conditions. In summary, the available evidence is currently insufficient to determine the role of this variant in disease. Therefore, it has been classified as a Variant of Uncertain Significance.

NC_000014.8:g.(?_37283103)_(37344229_?)del

Gene: SLC25A21 (solute carrier family 25 member 21; minus strand). Cytogenetic location: 14q13.3.
Variant type: Deletion.
Identifiers: ClinVar variation 1437871 (VCV001437871.4).